The following is an entry in ClinVar:

ClinVar aggregate classification (germline): Pathogenic (1 of 4 stars; one submission).

Conditions:
Glycogen storage disease, type VII (GSD7). Also called: GSD VII; MUSCLE PHOSPHOFRUCTOKINASE DEFICIENCY; PFKM DEFICIENCY; TARUI DISEASE. Identifiers: Orphanet 371, MedGen C0017926, MONDO:0009295, OMIM 232800.

Submission:

Myriad Genetics, Inc.
Classification: Pathogenic for Glycogen storage disease, type VII. Last evaluated: 2024-08-25. Review status: criteria provided, single submitter. Criteria: Myriad Autosomal Dominant, Autosomal Recessive and X-Linked Classification Criteria (2023). Collection method: clinical testing. Allele origin: unknown.
Comment: NM_001166686.1(PFKM):c.341delT(F114Sfs*33) is expected to be pathogenic in the context of glycogen storage disease, PFKM-related. This variant is predicted to lead to an abnormal or absent protein product due to the creation of a premature termination codon in PFKM, a gene where loss-of-function variants are known to be pathogenic. Please note: this variant was assessed in the context of healthy population screening.

NM_000289.6(PFKM):c.128del (p.Phe43fs)

Gene: PFKM (phosphofructokinase, muscle; plus strand). Cytogenetic location: 12q13.11.
Variant type: Deletion.
Coding change: c.128del on transcript NM_000289.6 (MANE Select); coding-DNA position 128, one base deleted (T; older notation c.128delT).
Protein change: p.Phe43fs; shifts the reading frame from phenylalanine 43.
Molecular consequence: frameshift variant. On other transcripts: non-coding transcript variant (4), intron variant (2).
Genome position (GRCh38, 1-based): chr12:48,130,405, T deleted; the last of 2 consecutive T bases (chr12:48,130,404-48,130,405); deleting either gives the same sequence. VCF-style (leftmost placement, unchanged base first): chr12-48130403-CT-C. GRCh37 (hg19) VCF-style: chr12-48524186-CT-C.
Other names: c.341del, p.Phe114fs (NM_001166686.2, NM_001354737.1, NM_001354738.1 and 2 more transcripts); c.128del, p.Phe43fs (NM_001166687.2, NM_001166688.2, NM_001354742.2 and 4 more transcripts); c.437del, p.Phe146fs (NM_001354735.1, NM_001354736.1); c.272del, p.Phe91fs (NM_001354740.1); c.152del, p.Phe51fs (NM_001354741.2); c.41del, p.Phe14fs (NM_001354745.2); c.10-911del (NM_001354747.2, NM_001354748.2); short protein forms F114fs, F146fs, F14fs, F43fs, F51fs, F91fs.
Identifiers: ClinVar variation 5013490 (VCV005013490.1).
Genomic context (GRCh38, chr12:48,130,403, plus strand): 5'-TCTTTTGTCCCTCCTTTCAGGTATGAATGCTGCTGTCAGGGCTGTGGTTCGAGTTGGTAT[CT>C]TCACCGGTGCCCGTGTCTTCTTTGTCCATGAGGTTGGTTCTGTACTTTGTTCTTCATCAT-3'